The following is an entry in ClinVar:

NM_000064.4(C3):c.688C>G (p.Pro230Ala)

Gene: C3 (complement C3; minus strand). Cytogenetic location: 19p13.3.
Variant type: single nucleotide variant.
Coding change: c.688C>G on transcript NM_000064.4 (MANE Select); coding-DNA position 688, C replaced by G.
Protein change: p.Pro230Ala; replaces proline 230 with alanine.
Molecular consequence: missense variant.
Genome position (GRCh38, 1-based): chr19:6,714,077, G>C on the plus strand (C>G on the coding strand, the complement: C3 is on the minus strand). VCF-style: chr19-6714077-G-C. GRCh37 (hg19) VCF-style: chr19-6714088-G-C.
Other names: short protein forms P230A.
Identifiers: ClinVar variation 3584185 (VCV003584185.2).

ClinVar aggregate classification (germline): Uncertain significance. Review status: criteria provided, multiple submitters, no conflicts (2 of 4 stars). 2 submissions from 2 submitters: Uncertain significance (2). Last evaluated 2025-10-22.

Conditions:
Atypical hemolytic-uremic syndrome with C3 anomaly. Also called: AHUS, SUSCEPTIBILITY TO, 5. Identifiers: Orphanet 2134, MedGen C2752037, MONDO:0013043, OMIM 612925.
Age related macular degeneration 9. Identifiers: MedGen C1969651, MONDO:0012659, OMIM 611378.
Complement component 3 deficiency. Identifiers: Orphanet 280133, MedGen C3151071, MONDO:0013417, OMIM 613779.

gnomAD v4.1: 5 of 1,612,380 alleles (0.00031%); highest among the groups gnomAD compares: Non-Finnish European, 0.00042%; no homozygotes.

Submissions (2):

Labcorp Genetics (formerly Invitae), Labcorp
Classification: Uncertain significance. Last evaluated: 2025-10-22. Review status: criteria provided, single submitter. Criteria: Invitae Variant Classification Sherloc (09022015). Collection method: clinical testing. Allele origin: germline.
Comment: This sequence change replaces proline, which is neutral and non-polar, with alanine, which is neutral and non-polar, at codon 230 of the C3 protein (p.Pro230Ala). This variant is present in population databases (rs761529697, gnomAD 0.003%). This variant has not been reported in the literature in individuals affected with C3-related conditions. ClinVar contains an entry for this variant (Variation ID: 3584185). Invitae Evidence Modeling of protein sequence and biophysical properties (such as structural, functional, and spatial information, amino acid conservation, physicochemical variation, residue mobility, and thermodynamic stability) indicates that this missense variant is expected to disrupt C3 protein function with a positive predictive value of 80%. In summary, the available evidence is currently insufficient to determine the role of this variant in disease. Therefore, it has been classified as a Variant of Uncertain Significance.

Fulgent Genetics
Classification: Uncertain significance for Age related macular degeneration 9; Atypical hemolytic-uremic syndrome with C3 anomaly; Complement component 3 deficiency. Last evaluated: 2024-01-22. Review status: criteria provided, single submitter. Criteria: ACMG Guidelines, 2015. Collection method: clinical testing. Allele origin: germline.